The following is an entry in ClinVar:

ClinVar aggregate classification (germline): Uncertain significance. Review status: criteria provided, multiple submitters, no conflicts (2 of 4 stars). 2 submissions from 2 submitters: Uncertain significance (2). Last evaluated 2026-04-06.

Conditions:
Nemaline myopathy 2 (NEM2). Also called: Nemaline myopathy 2, autosomal recessive. Identifiers: MedGen C1850569, MONDO:0009725, OMIM 256030.

Submissions (2):

Myriad Genetics, Inc.
Classification: Uncertain significance for Nemaline myopathy 2. Last evaluated: 2026-04-06. Review status: criteria provided, single submitter. Criteria: Myriad Autosomal Dominant, Autosomal Recessive and X-Linked Classification Criteria (2023). Collection method: clinical testing. Allele origin: unknown.
Comment: NM_001271208.1(NEB):c.7235A>G(Y2412C) is a missense variant classified as a variant of uncertain significance in the context of NEB-related nemaline myopathy. Y2412C has been observed in a case with relevant disease (PMID: 38544359). Relevant functional assessments of this variant are not available in the literature. Y2412C has not been observed in referenced population frequency databases. In summary, there is insufficient evidence to classify NM_001271208.1(NEB):c.7235A>G(Y2412C) as pathogenic or benign. Please note: this variant was assessed in the context of healthy population screening.

Broad Center for Mendelian Genomics, Broad Institute of MIT and Harvard
Classification: Uncertain significance for Nemaline myopathy 2. Last evaluated: 2018-12-03. Review status: criteria provided, single submitter. Criteria: ACMG Guidelines, 2015. Collection method: research. Allele origin: germline. Inheritance: Autosomal recessive inheritance. Affected: yes.
Comment: The presence of this variant in combination with a reported pathogenic variant and in an individual with nemaline myopathy increases the likelihood that the p.Tyr2412Cys variant is pathogenic. This variant was absent from large population studies. Computational prediction tools and conservation analyses suggest that this variant may affect the protein, though this information is not predictive enough to determine pathogenicity. In summary, the clinical significance of the p.Tyr2412Cys variant is uncertain. ACMG/AMP Criteria applied: PM2, PM3_Supporting, PP3_Supporting (Richards 2015).

Literature cited by the submitters: PubMed 38544359 (cited by Myriad Genetics, Inc.).

NM_001164508.2(NEB):c.7235A>G (p.Tyr2412Cys)

Gene: NEB (nebulin; minus strand). Cytogenetic location: 2q23.3.
Variant type: single nucleotide variant.
Coding change: c.7235A>G on transcript NM_001164508.2 (MANE Select); coding-DNA position 7235, A replaced by G.
Protein change: p.Tyr2412Cys; replaces tyrosine 2412 with cysteine.
Molecular consequence: missense variant.
Genome position (GRCh38, 1-based): chr2:151,650,372, T>C on the plus strand (A>G on the coding strand, the complement: NEB is on the minus strand). VCF-style: chr2-151650372-T-C. GRCh37 (hg19) VCF-style: chr2-152506886-T-C.
Other names: c.7235A>G, p.Tyr2412Cys (NM_001164507.2, NM_001271208.2, NM_004543.5); short protein forms Y2412C.
Identifiers: ClinVar variation 813956 (VCV000813956.2), dbSNP rs1575122611, ClinGen allele CA348788902.
Genomic context (GRCh38, chr2:151,650,372, plus strand): 5'-GCCTCTAAAGAACCCAAGGGACTCCATCCTATGCCTCTCAGCCACTCAAGGTCAGATTTA[T>C]ATAGATTCTGTGAAAAGACAGAGCAAGCCATCAAAATCCCATTCTCACCTGGACCCTTGA-3'
Protein context (NP_001157980.2, residues 2402-2422): KVYELQSENL[Tyr2412Cys]KSDLEWLRGI